The following is an entry in ClinVar:

ClinVar aggregate classification (germline): Uncertain significance. Review status: criteria provided, multiple submitters, no conflicts (2 of 4 stars). 2 submissions from 2 submitters: Uncertain significance (2). Last evaluated 2024-12-25.

Conditions:
Inborn genetic diseases. Identifiers: MedGen C0950123, MeSH D030342.
MOGS-congenital disorder of glycosylation. Also called: GLUCOSIDASE I DEFICIENCY; CDG IIb; MOGS-CDG; CDG 2B. Identifiers: Orphanet 79330, MedGen C1853736, MONDO:0011629, OMIM 606056.

Allele frequency attached by ClinVar (database versions not stated): gnomAD 0.00001; gnomAD exomes 0.00001.
gnomAD v4.1: 9 of 1,614,048 alleles (0.00056%); highest among the groups gnomAD compares: Admixed American, 0.0083%; no homozygotes.

Submissions (2):

Ambry Genetics
Classification: Uncertain significance for Inborn genetic diseases. Last evaluated: 2024-12-25. Review status: criteria provided, single submitter. Criteria: Ambry Variant Classification Scheme 2023. Collection method: clinical testing. Allele origin: germline.

Labcorp Genetics (formerly Invitae), Labcorp
Classification: Uncertain significance for MOGS-congenital disorder of glycosylation. Last evaluated: 2022-07-12. Review status: criteria provided, single submitter. Criteria: Invitae Variant Classification Sherloc (09022015). Collection method: clinical testing. Allele origin: germline.
Comment: In summary, the available evidence is currently insufficient to determine the role of this variant in disease. Therefore, it has been classified as a Variant of Uncertain Significance. This sequence change replaces arginine, which is basic and polar, with tryptophan, which is neutral and slightly polar, at codon 468 of the MOGS protein (p.Arg468Trp). This variant is present in population databases (no rsID available, gnomAD 0.01%). This variant has not been reported in the literature in individuals affected with MOGS-related conditions. Algorithms developed to predict the effect of missense changes on protein structure and function output the following: SIFT: "Tolerated"; PolyPhen-2: "Benign"; Align-GVGD: "Class C0". The tryptophan amino acid residue is found in multiple mammalian species, which suggests that this missense change does not adversely affect protein function.

NM_006302.3(MOGS):c.1402C>T (p.Arg468Trp)

Gene: MOGS (mannosyl-oligosaccharide glucosidase; minus strand). Cytogenetic location: 2p13.1.
Variant type: single nucleotide variant.
Coding change: c.1402C>T on transcript NM_006302.3 (MANE Select); coding-DNA position 1402, C replaced by T.
Protein change: p.Arg468Trp; replaces arginine 468 with tryptophan.
Molecular consequence: missense variant.
Genome position (GRCh38, 1-based): chr2:74,462,387, G>A on the plus strand (C>T on the coding strand, the complement: MOGS is on the minus strand). VCF-style: chr2-74462387-G-A. GRCh37 (hg19) VCF-style: chr2-74689514-G-A.
Other names: c.1402C>T (NM_006302.2); c.1084C>T, p.Arg362Trp (NM_001146158.2); short protein forms R362W, R468W.
Identifiers: ClinVar variation 1990765 (VCV001990765.5), dbSNP rs930452465, ClinGen allele CA347372684.